The following is an entry in ClinVar:

ClinVar aggregate classification (germline): Likely benign (1 of 4 stars; one submission).

Conditions:
Spinocerebellar ataxia type 11 (SCA11). Identifiers: Orphanet 98767, MedGen C1858351, MONDO:0011464, OMIM 604432.

Allele frequency attached by ClinVar (database versions not stated): gnomAD 0.00407 and 0.00429; TOPMed 0.00451; 1000 Genomes Project 0.00539; 1000 Genomes Project 30x 0.00562.

Submission:

Illumina Laboratory Services, Illumina
Classification: Likely benign for Spinocerebellar ataxia type 11. Last evaluated: 2017-04-27. Review status: criteria provided, single submitter. Criteria: ICSL Variant Classification Criteria 13 December 2019. Collection method: clinical testing. Allele origin: germline.
Comment: This variant was observed as part of a predisposition screen in an ostensibly healthy population. A literature search was performed for the gene, cDNA change, and amino acid change (where applicable). No publications were found based on this search. Allele frequency data from public databases allowed determination this variant is unlikely to cause disease. Therefore, this variant is classified as likely benign.

NM_173500.4(TTBK2):c.*1311G>A

Gene: TTBK2 (tau tubulin kinase 2; minus strand). Cytogenetic location: 15q15.2.
Variant type: single nucleotide variant.
Coding change: c.*1311G>A on transcript NM_173500.4 (MANE Select); 1311 bases downstream of the stop codon, G replaced by A.
Molecular consequence: 3 prime UTR variant.
Genome position (GRCh38, 1-based): chr15:42,744,484, C>T on the plus strand (G>A on the coding strand, the complement: TTBK2 is on the minus strand). VCF-style: chr15-42744484-C-T. GRCh37 (hg19) VCF-style: chr15-43036682-C-T.
Identifiers: ClinVar variation 315960 (VCV000315960.5), dbSNP rs148272721, ClinGen allele CA10641854.